The following is an entry in ClinVar:

ClinVar aggregate classification (germline): Uncertain significance. Review status: criteria provided, multiple submitters, no conflicts (2 of 4 stars). 4 submissions from 4 submitters: Uncertain significance (4). Last evaluated 2025-04-14.

Conditions:
ROBO3-related disorder. Also called: ROBO3-related condition.
Inborn genetic diseases. Identifiers: MedGen C0950123, MeSH D030342.

Allele frequency attached by ClinVar (database versions not stated): gnomAD 0.00026; TOPMed 0.00028; ExAC 0.00030; 1000 Genomes Project 0.00040; ESP Exome Variant Server 0.00040; 1000 Genomes Project 30x 0.00047.
gnomAD v4.1: 379 of 1,613,096 alleles (0.023%); highest among the groups gnomAD compares: Middle Eastern, 0.033%; no homozygotes.

Submissions (4):

PreventionGenetics, part of Exact Sciences
Classification: Uncertain significance for ROBO3-related condition. Last evaluated: 2025-04-14. Review status: criteria provided, single submitter. Criteria: ACMG Guidelines, 2015. Collection method: clinical testing. Allele origin: germline.
Comment: The ROBO3 c.1943G>A variant is predicted to result in the amino acid substitution p.Arg648His. To our knowledge, this variant has not been reported in the literature. This variant is reported in 0.043% of alleles in individuals of European (Non-Finnish) descent in gnomAD. At this time, the clinical significance of this variant is uncertain due to the absence of conclusive functional and genetic evidence.

Clinical Genetics Laboratory, Skane University Hospital Lund
Classification: Uncertain significance. Last evaluated: 2022-05-27. Review status: criteria provided, single submitter. Criteria: ACMG Guidelines, 2015. Collection method: clinical testing. Allele origin: germline. Affected: yes.

Ambry Genetics
Classification: Uncertain significance for Inborn genetic diseases. Last evaluated: 2021-08-09. Review status: criteria provided, single submitter. Criteria: Ambry Variant Classification Scheme 2023. Collection method: clinical testing. Allele origin: germline.

Breakthrough Genomics
Classification: Uncertain significance. Review status: criteria provided, single submitter. Criteria: ACMG Guidelines, 2015. Collection method: not provided. Allele origin: germline. Inheritance: Autosomal recessive inheritance. Affected: yes.

NM_022370.4(ROBO3):c.1943G>A (p.Arg648His)

Gene: ROBO3 (roundabout guidance receptor 3; plus strand). Cytogenetic location: 11q24.2.
Variant type: single nucleotide variant.
Coding change: c.1943G>A on transcript NM_022370.4 (MANE Select); coding-DNA position 1943, G replaced by A.
Protein change: p.Arg648His; replaces arginine 648 with histidine.
Molecular consequence: missense variant.
Genome position (GRCh38, 1-based): chr11:124,874,228, G>A. VCF-style: chr11-124874228-G-A. GRCh37 (hg19) VCF-style: chr11-124744124-G-A.
Other names: short protein forms R648H.
Identifiers: ClinVar variation 2368404 (VCV002368404.6), dbSNP rs201985175, ClinGen allele CA6343637.
Genomic context (GRCh38, chr11:124,874,228, plus strand): 5'-TGGTTCGAGCAGTGGGAGCCTGGGGCCTCAGTGAGCCCAGCCCCGTCTCTGAGCCTGTCC[G>A]TACACAGGGTAAGGTCAGAGTCCCTGGGCTCATGAGCATGAAATGTAACATCATAAAGCA-3'
Protein context (NP_071765.2, residues 638-658): SEPSPVSEPV[Arg648His]TQDSSPSRPV